The following is an entry in ClinVar:

NM_005476.7(GNE):c.[2086G>A];[385C>T]

Variant type: CompoundHeterozygote.
Identifiers: ClinVar variation 430940 (VCV000430940.2).

ClinVar aggregate classification (germline): Pathogenic (0 of 4 stars; one submission).

Conditions:
GNE myopathy (NM). Also called: NONAKA DISTAL MYOPATHY; INCLUSION BODY MYOPATHY, HEREDITARY, AUTOSOMAL RECESSIVE; INCLUSION BODY MYOPATHY 2, AUTOSOMAL RECESSIVE; MYOPATHY, DISTAL, WITH OR WITHOUT RIMMED VACUOLES; IBM 2; Inclusion body myopathy autosomal recessive. Identifiers: Orphanet 602, MedGen C1853926, MONDO:0011603, OMIM 605820.

Submission:

Foundation for Research in Genetics and Endocrinology, FRIGE's Institute of Human Genetics
Classification: Pathogenic for GNE myopathy. Last evaluated: 2017-07-06. Review status: no assertion criteria provided. Collection method: clinical testing. Allele origin: germline. Inheritance: Autosomal recessive inheritance. Affected: yes. Observed: 1 variant allele, 1 compound heterozygote.
Comment: The observed variant is likely to be pathogenic by In Silico analysis using Mutation taster, Polyphen2 and SIFT.